The following is an entry in ClinVar:

NM_001256317.3(TMPRSS3):c.1303C>T (p.Arg435Cys)

Gene: TMPRSS3 (transmembrane serine protease 3; minus strand). Cytogenetic location: 21q22.3.
Variant type: single nucleotide variant.
Coding change: c.1303C>T on transcript NM_001256317.3 (MANE Select); coding-DNA position 1303, C replaced by T.
Protein change: p.Arg435Cys; replaces arginine 435 with cysteine.
Molecular consequence: missense variant.
Genome position (GRCh38, 1-based): chr21:42,375,757, G>A on the plus strand (C>T on the coding strand, the complement: TMPRSS3 is on the minus strand). VCF-style: chr21-42375757-G-A. GRCh37 (hg19) VCF-style: chr21-43795866-G-A.
Other names: c.1306C>T, p.Arg436Cys (NM_024022.4); c.925C>T, p.Arg309Cys (NM_032404.3); c.1306C>T (NM_024022.3); short protein forms R435C, R309C, R436C.
Identifiers: ClinVar variation 666988 (VCV000666988.16), dbSNP rs565348874, ClinGen allele CA10042253.

ClinVar aggregate classification (germline): Conflicting classifications of pathogenicity. Review status: criteria provided, conflicting classifications (1 of 4 stars). 6 submissions from 6 submitters: Pathogenic (1); Likely pathogenic (3); Uncertain significance (2). Last evaluated 2026-01-27.

Conditions:
Autosomal recessive nonsyndromic hearing loss 8 (DFNB8). Also called: Deafness, autosomal recessive 10; NEUROSENSORY NONSYNDROMIC RECESSIVE DEAFNESS 8. Identifiers: Orphanet 90636, MedGen C1832827, MONDO:0010987, OMIM 601072.
Rare genetic deafness. Identifiers: Orphanet 96210, MedGen C5680250.

Allele frequency attached by ClinVar (database versions not stated): ExAC 0.00003; TOPMed 0.00009; 1000 Genomes Project 30x 0.00031; 1000 Genomes Project 0.00040.
gnomAD v4.1: 73 of 1,613,730 alleles (0.0045%); highest among the groups gnomAD compares: Admixed American, 0.02%; no homozygotes.

Submissions (6):

Labcorp Genetics (formerly Invitae), Labcorp
Classification: Likely pathogenic. Last evaluated: 2026-01-27. Review status: criteria provided, single submitter. Criteria: Invitae Variant Classification Sherloc (09022015). Collection method: clinical testing. Allele origin: germline.
Comment: This sequence change replaces arginine, which is basic and polar, with cysteine, which is neutral and slightly polar, at codon 436 of the TMPRSS3 protein (p.Arg436Cys). This variant is present in population databases (rs565348874, gnomAD 0.01%). This missense change has been observed in individual(s) with autosomal recessive deafness (PMID: 26969326). ClinVar contains an entry for this variant (Variation ID: 666988). Invitae Evidence Modeling of protein sequence and biophysical properties (such as structural, functional, and spatial information, amino acid conservation, physicochemical variation, residue mobility, and thermodynamic stability) indicates that this missense variant is expected to disrupt TMPRSS3 protein function with a positive predictive value of 95%. This variant disrupts the p.Arg436 amino acid residue in TMPRSS3. Other variant(s) that disrupt this residue have been determined to be pathogenic (internal data). This suggests that this residue is clinically significant, and that variants that disrupt this residue are likely to be disease-causing. In summary, the currently available evidence indicates that the variant is pathogenic, but additional data are needed to prove that conclusively. Therefore, this variant has been classified as Likely Pathogenic.

Institute of Human Genetics, University of Leipzig Medical Center
Classification: Pathogenic for Autosomal recessive nonsyndromic hearing loss 8. Last evaluated: 2025-12-03. Review status: criteria provided, single submitter. Criteria: ACMG Guidelines, 2015. Collection method: clinical testing. Allele origin: unknown. Inheritance: Autosomal recessive inheritance. Affected: yes.
Comment: Criteria applied: PM3_STR,PM5_STR,PM2_SUP,PP3; Identified as compund heterozygous with NM_001256317.3:c.316C>T

GeneDx
Classification: Uncertain significance. Last evaluated: 2024-07-03. Review status: criteria provided, single submitter. Criteria: GeneDx Variant Classification Process June 2021. Collection method: clinical testing. Allele origin: germline. Affected: yes.
Comment: In silico analysis supports that this missense variant has a deleterious effect on protein structure/function; This variant is associated with the following publications: (PMID: 26969326)

Fulgent Genetics
Classification: Likely pathogenic for Autosomal recessive nonsyndromic hearing loss 8. Last evaluated: 2024-05-02. Review status: criteria provided, single submitter. Criteria: ACMG Guidelines, 2015. Collection method: clinical testing. Allele origin: germline.

Laboratory for Molecular Medicine, Mass General Brigham Personalized Medicine
Classification: Likely pathogenic for Rare genetic deafness. Last evaluated: 2018-08-15. Review status: criteria provided, single submitter. Criteria: LMM Criteria. Collection method: clinical testing. Allele origin: germline. Inheritance: Autosomal recessive inheritance. Observed: 2 variant alleles.
Comment: This variant has been identi fied in 5/33580 Latino chromosomes by gnomAD. Although this variant has been seen in the general population, its frequency is low enough to be consistent with a recessive carrier frequency. Another variant at this codon, p.Arg436Gly, has also been reported in compound heterozygosity w ith a pathogenic variant in an individual with hearing loss (Lechowicz 2017). Co mputational prediction tools and conservation analyses suggest that the p.Arg436 Cys variant may impact the protein, though this information is not predictive en ough to determine pathogenicity. In summary, although additional studies are req uired to fully establish its clinical significance, this variant is likely patho genic. ACMG/AMP criteria applied: PM3_Strong, PM2_Supporting, PP3.

Illumina Laboratory Services, Illumina
Classification: Uncertain significance for Autosomal recessive nonsyndromic hearing loss 8. Last evaluated: 2018-01-13. Review status: criteria provided, single submitter. Criteria: ICSL Variant Classification Criteria 13 December 2019. Collection method: clinical testing. Allele origin: germline.

Literature cited by the submitters: PubMed 26969326 (cited by Labcorp Genetics (formerly Invitae), Labcorp and Laboratory for Molecular Medicine, Mass General Brigham Personalized Medicine); PubMed 28566687 (cited by Laboratory for Molecular Medicine, Mass General Brigham Personalized Medicine).